The following is an entry in ClinVar:

ClinVar aggregate classification (germline): Likely benign (1 of 4 stars; one submission).

gnomAD v4.1: 1 of 1,614,188 alleles (0.000062%); highest among the groups gnomAD compares: Admixed American, 0.0017%; no homozygotes.

Submission:

CeGaT Center for Human Genetics Tuebingen
Classification: Likely benign. Last evaluated: 2025-01-01. Review status: criteria provided, single submitter. Criteria: CeGaT Center For Human Genetics Tuebingen Variant Classification Criteria Version 2. Collection method: clinical testing. Allele origin: germline. Affected: yes. Observed: 1 variant allele.
Comment: SRRM2: BP4

NM_016333.4(SRRM2):c.2519C>G (p.Pro840Arg)

Gene: SRRM2 (serine/arginine repetitive matrix 2; plus strand). Cytogenetic location: 16p13.3.
Variant type: single nucleotide variant.
Coding change: c.2519C>G on transcript NM_016333.4 (MANE Select); coding-DNA position 2519, C replaced by G.
Protein change: p.Pro840Arg; replaces proline 840 with arginine.
Molecular consequence: missense variant.
Genome position (GRCh38, 1-based): chr16:2,763,047, C>G. VCF-style: chr16-2763047-C-G. GRCh37 (hg19) VCF-style: chr16-2813048-C-G.
Other names: short protein forms P840R.
Identifiers: ClinVar variation 3772236 (VCV003772236.13).